The following is an entry in ClinVar:

NM_002272.4(KRT4):c.558C>G (p.Pro186=)

Gene: KRT4 (keratin 4; minus strand). Cytogenetic location: 12q13.13.
Variant type: single nucleotide variant.
Coding change: c.558C>G on transcript NM_002272.4 (MANE Select); coding-DNA position 558, C replaced by G.
Protein change: p.Pro186=; no amino-acid change (proline 186 retained).
Molecular consequence: synonymous variant.
Genome position (GRCh38, 1-based): chr12:52,811,882, G>C on the plus strand (C>G on the coding strand, the complement: KRT4 is on the minus strand). VCF-style: chr12-52811882-G-C. GRCh37 (hg19) VCF-style: chr12-53205666-G-C.
Identifiers: ClinVar variation 309690 (VCV000309690.5), dbSNP rs766644080, ClinGen allele CA6588690.

ClinVar aggregate classification (germline): Benign (1 of 4 stars; one submission).

Conditions:
White sponge nevus 1. Also called: LEUKOKERATOSIS, HEREDITARY MUCOSAL. Identifiers: MedGen C4011926, MONDO:0008676, OMIM 193900.

Allele frequency attached by ClinVar (database versions not stated): gnomAD 0.00001 and 0.00002; TOPMed 0.00001; gnomAD exomes 0.00007; ExAC 0.00009.
gnomAD v4.1: 76 of 1,613,942 alleles (0.0047%); highest among the groups gnomAD compares: South Asian, 0.047%; no homozygotes.

Submission:

Illumina Laboratory Services, Illumina
Classification: Benign for White sponge nevus 1. Last evaluated: 2018-01-13. Review status: criteria provided, single submitter. Criteria: ICSL Variant Classification Criteria 13 December 2019. Collection method: clinical testing. Allele origin: germline.
Comment: This variant was observed in the ICSL laboratory as part of a predisposition screen in an ostensibly healthy population. It had not been previously curated by ICSL or reported in the Human Gene Mutation Database (HGMD: prior to June 1st, 2018), and was therefore a candidate for classification through an automated scoring system. Utilizing variant allele frequency, disease prevalence and penetrance estimates, and inheritance mode, an automated score was calculated to assess if this variant is too frequent to cause the disease. Based on the score and internal cut-off values, a variant classified as benign is not then subjected to further curation. The score for this variant resulted in a classification of benign for this disease.